The following is an entry in ClinVar:

NM_001035.3(RYR2):c.1936A>G (p.Thr646Ala)

Gene: RYR2 (ryanodine receptor 2; plus strand). Cytogenetic location: 1q43.
Variant type: single nucleotide variant.
Coding change: c.1936A>G on transcript NM_001035.3 (MANE Select); coding-DNA position 1936, A replaced by G.
Protein change: p.Thr646Ala; replaces threonine 646 with alanine.
Molecular consequence: missense variant.
Genome position (GRCh38, 1-based): chr1:237,493,062, A>G. VCF-style: chr1-237493062-A-G. GRCh37 (hg19) VCF-style: chr1-237656362-A-G.
Other names: short protein forms T646A.
Identifiers: ClinVar variation 4993223 (VCV004993223.1).

ClinVar aggregate classification (germline): Uncertain significance (1 of 4 stars; one submission).

Conditions:
RYR2-related disorder. Also called: RYR2-related condition.

Submission:

PreventionGenetics, part of Exact Sciences
Classification: Uncertain significance for RYR2-related condition. Last evaluated: 2026-04-25. Review status: criteria provided, single submitter. Criteria: ACMG Guidelines, 2015. Collection method: clinical testing. Allele origin: germline.
Comment: The RYR2 c.1936A>G variant is predicted to result in the amino acid substitution p.Thr646Ala. To our knowledge, this variant has not been reported in the literature or in a large population database (gnomAD), indicating this variant is rare. At this time, the clinical significance of this variant is uncertain due to the absence of conclusive functional and genetic evidence.